The following is an entry in ClinVar:

NM_005732.4(RAD50):c.3365A>G (p.Asp1122Gly)

Gene: RAD50 (RAD50 double strand break repair protein; plus strand). Cytogenetic location: 5q31.1.
Variant type: single nucleotide variant.
Coding change: c.3365A>G on transcript NM_005732.4 (MANE Select); coding-DNA position 3365, A replaced by G.
Protein change: p.Asp1122Gly; replaces aspartic acid 1122 with glycine.
Molecular consequence: missense variant.
Genome position (GRCh38, 1-based): chr5:132,618,270, A>G. VCF-style: chr5-132618270-A-G. GRCh37 (hg19) VCF-style: chr5-131953962-A-G.
Other names: short protein forms D1122G.
Identifiers: ClinVar variation 3786298 (VCV003786298.1).

ClinVar aggregate classification (germline): Uncertain significance (1 of 4 stars; one submission).

Conditions:
Hereditary cancer-predisposing syndrome. Also called: Neoplastic Syndromes, Hereditary; Hereditary Cancer Syndrome; Tumor predisposition; Hereditary neoplastic syndrome. Identifiers: Orphanet 140162, MedGen C0027672, MeSH D009386, MONDO:0015356.

gnomAD v4.1: 1 of 1,614,058 alleles (0.000062%); highest among the groups gnomAD compares: Non-Finnish European, 0.000085%; no homozygotes.

Submission:

Ambry Genetics
Classification: Uncertain significance for Hereditary cancer-predisposing syndrome. Last evaluated: 2025-01-24. Review status: criteria provided, single submitter. Criteria: Ambry Variant Classification Scheme 2023. Collection method: clinical testing. Allele origin: germline.
Comment: The p.D1122G variant (also known as c.3365A>G), located in coding exon 21 of the RAD50 gene, results from an A to G substitution at nucleotide position 3365. The aspartic acid at codon 1122 is replaced by glycine, an amino acid with similar properties. This amino acid position is conserved. In addition, this alteration is predicted to be deleterious by in silico analysis. Based on the available evidence, the clinical significance of this variant remains unclear.